The following is an entry in ClinVar:

ClinVar aggregate classification (germline): Uncertain significance (1 of 4 stars; one submission).

Conditions:
Cardiovascular phenotype. Identifiers: MedGen CN230736.

Submission:

Ambry Genetics
Classification: Uncertain significance for Cardiovascular phenotype. Last evaluated: 2023-06-16. Review status: criteria provided, single submitter. Criteria: Ambry Variant Classification Scheme 2023. Collection method: clinical testing. Allele origin: germline.
Comment: The c.3805-2A>G intronic variant results from an A to G substitution two nucleotides upstream from coding exon 22 in the SCN10A gene. This nucleotide position is highly conserved in available vertebrate species. In silico splice site analysis predicts that this alteration will weaken the native splice acceptor site. However, the evidence for this gene-disease relationship is limited; therefore, the clinical significance of this alteration is unclear.

NM_006514.4(SCN10A):c.3805-2A>G

Gene: SCN10A (sodium voltage-gated channel alpha subunit 10; minus strand). Cytogenetic location: 3p22.2.
Variant type: single nucleotide variant.
Coding change: c.3805-2A>G on transcript NM_006514.4 (MANE Select); the canonical splice acceptor site of the intron before coding-DNA position 3805, A replaced by G.
Molecular consequence: splice acceptor variant.
Genome position (GRCh38, 1-based): chr3:38,712,447, T>C on the plus strand (A>G on the coding strand, the complement: SCN10A is on the minus strand). VCF-style: chr3-38712447-T-C. GRCh37 (hg19) VCF-style: chr3-38753938-T-C.
Other names: c.3511-2A>G (NM_001293307.2); c.3802-2A>G (NM_001293306.2).
Identifiers: ClinVar variation 2561723 (VCV002561723.3), dbSNP rs1559416170, ClinGen allele CA352151420.